The following is an entry in ClinVar:

NC_000005.10:g.(?_13864387)_(13868002_?)del

Gene: DNAH5 (dynein axonemal heavy chain 5; minus strand). Cytogenetic location: 5p15.2.
Variant type: Deletion.
Identifiers: ClinVar variation 832504 (VCV000832504.15).

ClinVar aggregate classification (germline): Pathogenic (1 of 4 stars; one submission).

Conditions:
Primary ciliary dyskinesia. Also called: Ciliary dyskinesia. Identifiers: Orphanet 244, MedGen C0008780, MONDO:0016575, HP:0012265.

Submission:

Labcorp Genetics (formerly Invitae), Labcorp
Classification: Pathogenic for Primary ciliary dyskinesia. Last evaluated: 2019-12-16. Review status: criteria provided, single submitter. Criteria: Invitae Variant Classification Sherloc (09022015). Collection method: clinical testing. Allele origin: germline.
Comment: For these reasons, this variant has been classified as Pathogenic. A different variant in exon 28 (p.R1454Q) has been determined to be pathogenic in individuals with primary ciliary dyskinesia (PMID: 11788826,16492982). This suggests that exon 28 is critical for DNAH5 protein function and that other disruptions at this position may also be pathogenic. This variant has been reported as in combination with another DNAH5 variant in an individual affected with primary ciliary dyskinesia (Invitae). This variant is an in-frame deletion of the genomic region encompassing exons 25-28 of the DNAH5 gene. It preserves the integrity of the reading frame but is predicted to remove 253 amino acids from the middle of the gene.

Literature cited by the submitters: PubMed 11788826; PubMed 16492982.